The following is an entry in ClinVar:

ClinVar aggregate classification (germline): Uncertain significance (1 of 4 stars; one submission).

Submission:

Ambry Genetics
Classification: Uncertain significance. Last evaluated: 2025-04-12. Review status: criteria provided, single submitter. Criteria: Ambry Variant Classification Scheme 2023. Collection method: clinical testing. Allele origin: germline.
Comment: The p.I256T variant (also known as c.767T>C), located in coding exon 1 of the EGLN1 gene, results from a T to C substitution at nucleotide position 767. The isoleucine at codon 256 is replaced by threonine, an amino acid with similar properties. This amino acid position is conserved. In addition, the in silico prediction for this alteration is inconclusive. Based on the available evidence, the clinical significance of this variant remains unclear.

NM_022051.3(EGLN1):c.767T>C (p.Ile256Thr)

Gene: EGLN1 (egl-9 family hypoxia inducible factor 1; minus strand). Cytogenetic location: 1q42.2.
Variant type: single nucleotide variant.
Coding change: c.767T>C on transcript NM_022051.3 (MANE Select); coding-DNA position 767, T replaced by C.
Protein change: p.Ile256Thr; replaces isoleucine 256 with threonine.
Molecular consequence: missense variant.
Genome position (GRCh38, 1-based): chr1:231,421,122, A>G on the plus strand (T>C on the coding strand, the complement: EGLN1 is on the minus strand). VCF-style: chr1-231421122-A-G. GRCh37 (hg19) VCF-style: chr1-231556868-A-G.
Other names: c.767T>C, p.Ile256Thr (NM_001377260.1, NM_001377261.1); short protein forms I256T.
Identifiers: ClinVar variation 4016856 (VCV004016856.1).